The following is an entry in ClinVar:

ClinVar aggregate classification (germline): Conflicting classifications of pathogenicity. Review status: criteria provided, conflicting classifications (1 of 4 stars). 3 submissions from 3 submitters: Uncertain significance (2); Likely benign (1). Last evaluated 2026-01-15.

Conditions:
Hereditary cancer-predisposing syndrome. Also called: Neoplastic Syndromes, Hereditary; Tumor predisposition; Hereditary neoplastic syndrome; Hereditary Cancer Syndrome. Identifiers: Orphanet 140162, MedGen C0027672, MeSH D009386, MONDO:0015356.
Colorectal cancer, susceptibility to, 12 (CRCS12). Also called: COLORECTAL CANCER, SUSCEPTIBILITY TO, ON CHROMOSOME 12q24. Identifiers: Orphanet 220460, MedGen C3554460, MONDO:0014038, OMIM 615083.

Submissions (3):

Ambry Genetics
Classification: Uncertain significance for Hereditary cancer-predisposing syndrome. Last evaluated: 2026-01-15. Review status: criteria provided, single submitter. Criteria: Ambry Variant Classification Scheme 2023. Collection method: clinical testing. Allele origin: germline.
Comment: The c.5679-3C>T intronic variant results from a C to T substitution 3 nucleotides upstream from coding exon 42 in the POLE gene. This nucleotide position is poorly conserved in available vertebrate species. In silico splice site analysis for this alteration is inconclusive. Based on the available evidence, the clinical significance of this variant remains unclear.

Labcorp Genetics (formerly Invitae), Labcorp
Classification: Uncertain significance for Colorectal cancer, susceptibility to, 12. Last evaluated: 2022-03-01. Review status: criteria provided, single submitter. Criteria: Invitae Variant Classification Sherloc (09022015). Collection method: clinical testing. Allele origin: germline.
Comment: This sequence change falls in intron 41 of the POLE gene. It does not directly change the encoded amino acid sequence of the POLE protein. It affects a nucleotide within the consensus splice site. This variant is not present in population databases (gnomAD no frequency). This variant has not been reported in the literature in individuals affected with POLE-related conditions. ClinVar contains an entry for this variant (Variation ID: 473756). Variants that disrupt the consensus splice site are a relatively common cause of aberrant splicing (PMID: 17576681, 9536098). Algorithms developed to predict the effect of sequence changes on RNA splicing suggest that this variant is not likely to affect RNA splicing. In summary, the available evidence is currently insufficient to determine the role of this variant in disease. Therefore, it has been classified as a Variant of Uncertain Significance.

Mendelics
Classification: Likely benign for Colorectal cancer, susceptibility to, 12. Last evaluated: 2019-05-28. Review status: criteria provided, single submitter. Criteria: Mendelics Assertion Criteria 2017. Collection method: clinical testing. Allele origin: unknown.

Literature cited by the submitters: PubMed 17576681 (cited by Labcorp Genetics (formerly Invitae), Labcorp); PubMed 9536098 (cited by Labcorp Genetics (formerly Invitae), Labcorp).

NM_006231.4(POLE):c.5679-3C>T

Gene: POLE (DNA polymerase epsilon, catalytic subunit; minus strand). Cytogenetic location: 12q24.33.
Variant type: single nucleotide variant.
Coding change: c.5679-3C>T on transcript NM_006231.4 (MANE Select); 3 bases into the intron before coding-DNA position 5679, C replaced by T.
Molecular consequence: intron variant.
Genome position (GRCh38, 1-based): chr12:132,636,027, G>A on the plus strand (C>T on the coding strand, the complement: POLE is on the minus strand). VCF-style: chr12-132636027-G-A. GRCh37 (hg19) VCF-style: chr12-133212613-G-A.
Identifiers: ClinVar variation 473756 (VCV000473756.13), dbSNP rs1555221512, ClinGen allele CA658658207.
Genomic context (GRCh38, chr12:132,636,027, plus strand): 5'-TTCCCAGCATCGAGAGAAAGAAATTGTCAGAGAATGGAAGGTCTCCTTTGAATGGATGCT[G>A]CAGAGGAAGCATTGAAGACGCTGCTTCAGTGAAATCGACCTTGTTCTCAACTTTCCTTTA-3'